The following is an entry in ClinVar:

NM_003970.4(MYOM2):c.1836T>G (p.Pro612=)

Gene: MYOM2 (myomesin 2; plus strand). Cytogenetic location: 8p23.3.
Variant type: single nucleotide variant.
Coding change: c.1836T>G on transcript NM_003970.4 (MANE Select); coding-DNA position 1836, T replaced by G.
Protein change: p.Pro612=; no amino-acid change (proline 612 retained).
Molecular consequence: synonymous variant.
Genome position (GRCh38, 1-based): chr8:2,092,353, T>G. VCF-style: chr8-2092353-T-G. GRCh37 (hg19) VCF-style: chr8-2040181-T-G.
Identifiers: ClinVar variation 3055432 (VCV003055432.2), dbSNP rs17064685, ClinGen allele CA170455924.

ClinVar aggregate classification (germline): Benign (0 of 4 stars; one submission).

Conditions:
MYOM2-related disorder. Also called: MYOM2-related condition.

Allele frequency attached by ClinVar (database versions not stated): 1000 Genomes Project 0.07188; 1000 Genomes Project 30x 0.07792; ESP Exome Variant Server 0.08227.
gnomAD v4.1: 62,672 of 1,613,860 alleles (3.9%); highest among the groups gnomAD compares: African/African-American, 18%; 2,136 homozygotes.

Submission:

PreventionGenetics, part of Exact Sciences
Classification: Benign for MYOM2-related condition. Last evaluated: 2020-01-06. Review status: no assertion criteria provided. Collection method: clinical testing. Allele origin: germline.
Comment: This variant is classified as benign based on ACMG/AMP sequence variant interpretation guidelines (Richards et al. 2015 PMID: 25741868, with internal and published modifications).